The following is an entry in ClinVar:

ClinVar aggregate classification (germline): Benign/Likely benign. Review status: criteria provided, multiple submitters, no conflicts (2 of 4 stars). 2 submissions from 2 submitters: Benign (1); Likely benign (1). Last evaluated 2025-10-03.

Conditions:
Familial cancer of breast. Also called: BREAST CANCER, FAMILIAL; Hereditary breast cancer; hereditary breast carcinoma. Identifiers: Orphanet 227535, MedGen C0346153, MONDO:0016419, OMIM 114480. Disease mechanism: loss of function.
Hereditary cancer-predisposing syndrome. Also called: Hereditary Cancer Syndrome; Tumor predisposition; Hereditary neoplastic syndrome; Neoplastic Syndromes, Hereditary. Identifiers: Orphanet 140162, MedGen C0027672, MeSH D009386, MONDO:0015356.

gnomAD v4.1: 1 of 1,606,394 alleles (0.000062%); highest among the groups gnomAD compares: South Asian, 0.0011%; no homozygotes.

Submissions (2):

Ambry Genetics
Classification: Likely benign for Hereditary cancer-predisposing syndrome. Last evaluated: 2025-10-03. Review status: criteria provided, single submitter. Criteria: Ambry Variant Classification Scheme 2023. Collection method: clinical testing. Allele origin: germline.

Myriad Genetics, Inc.
Classification: Benign for Familial cancer of breast. Last evaluated: 2024-04-23. Review status: criteria provided, single submitter. Criteria: Myriad Autosomal Dominant, Autosomal Recessive and X-Linked Classification Criteria (2023). Collection method: clinical testing. Allele origin: unknown.
Comment: This variant is considered benign. This variant is a silent/synonymous amino acid change and it is not expected to impact splicing.

NM_000051.4(ATM):c.891C>A (p.Thr297=)

Gene: ATM (ATM serine/threonine kinase; plus strand). Cytogenetic location: 11q22.3.
Variant type: single nucleotide variant.
Coding change: c.891C>A on transcript NM_000051.4 (MANE Select); coding-DNA position 891, C replaced by A.
Protein change: p.Thr297=; no amino-acid change (threonine 297 retained).
Molecular consequence: synonymous variant.
Genome position (GRCh38, 1-based): chr11:108,245,016, C>A. VCF-style: chr11-108245016-C-A. GRCh37 (hg19) VCF-style: chr11-108115743-C-A.
Other names: c.891C>A, p.Thr297= (NM_001351834.2).
Identifiers: ClinVar variation 3254128 (VCV003254128.2), dbSNP rs575285986.